The following is an entry in ClinVar:

Conditions:
Long QT syndrome 5 (LQT5). Identifiers: Orphanet 101016, Orphanet 768, MedGen C1867904, MONDO:0013372, OMIM 613695.

Submission:

Roden Lab, Vanderbilt University Medical Center
No classification provided (evidence only). Condition: Long QT syndrome 5. Review status: no classification provided. Collection method: in vitro. Allele origin: not applicable. Functional consequence: Effect on ion channel function.
ClinVar note: "not provided" was previously submitted as the classification for the variant. However, the classification appeared to be based only on an observation of functional data so it was converted to no classification on 2025-07-30.

NM_000219.6(KCNE1):c.318C>A (p.Cys106Ter)

Gene: KCNE1 (potassium voltage-gated channel subfamily E regulatory subunit 1; minus strand). Cytogenetic location: 21q22.12.
Variant type: single nucleotide variant.
Coding change: c.318C>A on transcript NM_000219.6 (MANE Select); coding-DNA position 318, C replaced by A.
Protein change: p.Cys106Ter; replaces cysteine 106 with a stop codon.
Molecular consequence: nonsense.
Genome position (GRCh38, 1-based): chr21:34,449,317, G>T on the plus strand (C>A on the coding strand, the complement: KCNE1 is on the minus strand). VCF-style: chr21-34449317-G-T. GRCh37 (hg19) VCF-style: chr21-35821615-G-T.
Other names: c.318C>A, p.Cys106Ter (NM_001127668.4, NM_001127669.4, NM_001127670.4 and 4 more transcripts); short protein forms C106*.
Identifiers: ClinVar variation 3374622 (VCV003374622.2).
Genomic context (GRCh38, chr21:34,449,317, plus strand): 5'-CTTCGTCTCAGGAAGGTGTGTGTTGGGTTGTTCTATGGCCAGATGGTTTTCAACGACATA[G>T]CACGACCTGTAGCTCTCCAGGACCCGGGCCTGGACATAGGCCTTGTCCTTCTCTTGCCAG-3'